The following is an entry in ClinVar:

ClinVar aggregate classification (germline): Conflicting classifications of pathogenicity. Review status: criteria provided, conflicting classifications (1 of 4 stars). 2 submissions from 2 submitters: Uncertain significance (1); Likely benign (1). Last evaluated 2023-07-12.

Conditions:
Hereditary cancer-predisposing syndrome. Also called: Tumor predisposition; Hereditary neoplastic syndrome; Neoplastic Syndromes, Hereditary; Hereditary Cancer Syndrome. Identifiers: Orphanet 140162, MedGen C0027672, MeSH D009386, MONDO:0015356.
Hereditary breast ovarian cancer syndrome. Also called: BRCA1- and BRCA2-Associated Hereditary Breast and Ovarian Cancer; Hereditary breast and ovarian cancer; Hereditary breast and/or ovarian cancer syndrome; Hereditary breast and ovarian cancer syndrome; Hereditary breast and ovarian cancer syndrome (HBOC); Breast and ovarian cancer. Identifiers: Orphanet 145, MedGen C0677776, MeSH D061325, MONDO:0003582. Disease mechanism: loss of function.

Allele frequency attached by ClinVar (database versions not stated): gnomAD exomes below 0.00001.
gnomAD v4.1: 1 of 1,588,338 alleles (0.000063%); highest among the groups gnomAD compares: Non-Finnish European, 0.000085%; no homozygotes.

Submissions (2):

Labcorp Genetics (formerly Invitae), Labcorp
Classification: Uncertain significance for Hereditary breast ovarian cancer syndrome. Last evaluated: 2023-07-12. Review status: criteria provided, single submitter. Criteria: Invitae Variant Classification Sherloc (09022015). Collection method: clinical testing. Allele origin: germline.
Comment: This variant is not present in population databases (gnomAD no frequency). This variant has not been reported in the literature in individuals affected with BRCA2-related conditions. This sequence change replaces glycine, which is neutral and non-polar, with aspartic acid, which is acidic and polar, at codon 1338 of the BRCA2 protein (p.Gly1338Asp). Advanced modeling of protein sequence and biophysical properties (such as structural, functional, and spatial information, amino acid conservation, physicochemical variation, residue mobility, and thermodynamic stability) performed at Invitae indicates that this missense variant is not expected to disrupt BRCA2 protein function. In summary, the available evidence is currently insufficient to determine the role of this variant in disease. Therefore, it has been classified as a Variant of Uncertain Significance. ClinVar contains an entry for this variant (Variation ID: 1362452).

University of Washington Department of Laboratory Medicine, University of Washington
Classification: Likely benign for Hereditary cancer-predisposing syndrome. Last evaluated: 2023-03-23. Review status: criteria provided, single submitter. Criteria: Dines et al. (Genet Med. 2020). Collection method: curation. Allele origin: germline.
Comment: Missense variant in a coldspot region where missense variants are very unlikely to be pathogenic (PMID:31911673).

BRCA2 exon 11 coldspot. Reclassification based on statistical prior probability.

NM_000059.4(BRCA2):c.4013G>A (p.Gly1338Asp)

Gene: BRCA2 (BRCA2 DNA repair associated; plus strand). Cytogenetic location: 13q13.1.
Variant type: single nucleotide variant.
Coding change: c.4013G>A on transcript NM_000059.4 (MANE Select); coding-DNA position 4013, G replaced by A.
Protein change: p.Gly1338Asp; replaces glycine 1338 with aspartic acid.
Molecular consequence: missense variant.
Genome position (GRCh38, 1-based): chr13:32,338,368, G>A. VCF-style: chr13-32338368-G-A. GRCh37 (hg19) VCF-style: chr13-32912505-G-A.
Other names: short protein forms G1338D.
Identifiers: ClinVar variation 1362452 (VCV001362452.9), dbSNP rs2137502060, ClinGen allele CA387779023.